The following is an entry in ClinVar:

NM_001376.5(DYNC1H1):c.12250A>G (p.Ile4084Val)

Gene: DYNC1H1 (dynein cytoplasmic 1 heavy chain 1; plus strand). Cytogenetic location: 14q32.31.
Variant type: single nucleotide variant.
Coding change: c.12250A>G on transcript NM_001376.5 (MANE Select); coding-DNA position 12250, A replaced by G.
Protein change: p.Ile4084Val; replaces isoleucine 4084 with valine.
Molecular consequence: missense variant.
Genome position (GRCh38, 1-based): chr14:102,042,263, A>G. VCF-style: chr14-102042263-A-G. GRCh37 (hg19) VCF-style: chr14-102508600-A-G.
Other names: short protein forms I4084V.
Identifiers: ClinVar variation 917262 (VCV000917262.6), dbSNP rs992393537, ClinGen allele CA266978980.

ClinVar aggregate classification (germline): Conflicting classifications of pathogenicity. Review status: criteria provided, conflicting classifications (1 of 4 stars). 4 submissions from 4 submitters: Uncertain significance (2); Likely benign (1). 1 of the submissions does not count toward it. Last evaluated 2025-01-19.

Conditions:
Charcot-Marie-Tooth disease. Also called: Charcot-Marie-Tooth Hereditary Neuropathy; Charcot-Marie-Tooth Neuropathy. Identifiers: Orphanet 166, MedGen C0007959, MONDO:0015626.
DYNC1H1-related disorder. Also called: DYNC1H1-related condition; DYNC1H1-related disorders. Identifiers: MedGen CN381529.
Inborn genetic diseases. Identifiers: MedGen C0950123, MeSH D030342.
Charcot-Marie-Tooth disease axonal type 2O. Also called: Charcot-Marie-Tooth disease, axonal, type 20; CHARCOT-MARIE-TOOTH NEUROPATHY, AXONAL, TYPE 2O; CHARCOT-MARIE-TOOTH DISEASE, AXONAL, AUTOSOMAL DOMINANT, TYPE 2O; Charcot-Marie-Tooth Neuropathy Type 2O. Identifiers: Orphanet 284232, MedGen C3280220, MONDO:0013644, OMIM 614228.

Allele frequency attached by ClinVar (database versions not stated): gnomAD exomes below 0.00001; TOPMed below 0.00001; gnomAD 0.00001.
gnomAD v4.1: 2 of 1,613,964 alleles (0.00012%); highest among the groups gnomAD compares: African/African-American, 0.0013%; no homozygotes.

Submissions (4):

Ambry Genetics
Classification: Uncertain significance for Inborn genetic diseases. Last evaluated: 2025-01-19. Review status: criteria provided, single submitter. Criteria: Ambry Variant Classification Scheme 2023. Collection method: clinical testing. Allele origin: germline.

Labcorp Genetics (formerly Invitae), Labcorp
Classification: Likely benign for Charcot-Marie-Tooth disease axonal type 2O. Last evaluated: 2024-10-04. Review status: criteria provided, single submitter. Criteria: Invitae Variant Classification Sherloc (09022015). Collection method: clinical testing. Allele origin: germline.

Molecular Genetics Laboratory, London Health Sciences Centre
Classification: Uncertain significance for Charcot-Marie-Tooth disease. Review status: criteria provided, single submitter. Criteria: ACMG Guidelines, 2015. Collection method: clinical testing. Allele origin: germline. Affected: yes.

PreventionGenetics, part of Exact Sciences
Classification: Uncertain significance for DYNC1H1-related condition. Last evaluated: 2024-02-13. Review status: no assertion criteria provided. Collection method: clinical testing. Allele origin: germline. Not counted in ClinVar's aggregate classification.
Comment: The DYNC1H1 c.12250A>G variant is predicted to result in the amino acid substitution p.Ile4084Val. This variant is present in the AAA6 domain, which is within the motor domain of DYNC1H1. To our knowledge, this variant has not been reported in the literature. This variant is reported in 0.00088% of alleles in individuals of European (Non-Finnish) descent in gnomAD. At this time, the clinical significance of this variant is uncertain due to the absence of conclusive functional and genetic evidence.